The following is an entry in ClinVar:

NM_178822.5(IGSF10):c.3536C>T (p.Ser1179Leu)

Gene: IGSF10 (immunoglobulin superfamily member 10; minus strand). Cytogenetic location: 3q25.1.
Variant type: single nucleotide variant.
Coding change: c.3536C>T on transcript NM_178822.5 (MANE Select); coding-DNA position 3536, C replaced by T.
Protein change: p.Ser1179Leu; replaces serine 1179 with leucine.
Molecular consequence: missense variant.
Genome position (GRCh38, 1-based): chr3:151,446,445, G>A on the plus strand (C>T on the coding strand, the complement: IGSF10 is on the minus strand). VCF-style: chr3-151446445-G-A. GRCh37 (hg19) VCF-style: chr3-151164233-G-A.
Other names: c.3536C>T, p.Ser1179Leu (NM_001385060.1, NM_001385061.1, NM_001385062.1 and 1 more transcripts); c.3536C>T (NM_178822.4); short protein forms S1179L.
Identifiers: ClinVar variation 2084752 (VCV002084752.9), dbSNP rs781278592, ClinGen allele CA2670152.

ClinVar aggregate classification (germline): Conflicting classifications of pathogenicity. Review status: criteria provided, conflicting classifications (1 of 4 stars). 3 submissions from 3 submitters: Uncertain significance (2); Likely benign (1). Last evaluated 2025-12-01.

Allele frequency attached by ClinVar (database versions not stated): gnomAD 0.00003; ExAC 0.00004; TOPMed 0.00005.
gnomAD v4.1: 38 of 1,613,874 alleles (0.0024%); highest among the groups gnomAD compares: Admixed American, 0.0067%; no homozygotes.

Submissions (3):

CeGaT Center for Human Genetics Tuebingen
Classification: Likely benign. Last evaluated: 2025-12-01. Review status: criteria provided, single submitter. Criteria: CeGaT Center For Human Genetics Tuebingen Variant Classification Criteria Version 2. Collection method: clinical testing. Allele origin: germline. Affected: yes. Observed: 1 variant allele.
Comment: IGSF10: BP4

Ambry Genetics
Classification: Uncertain significance. Last evaluated: 2023-10-03. Review status: criteria provided, single submitter. Criteria: Ambry Variant Classification Scheme 2023. Collection method: clinical testing. Allele origin: germline.

Labcorp Genetics (formerly Invitae), Labcorp
Classification: Uncertain significance. Last evaluated: 2022-08-16. Review status: criteria provided, single submitter. Criteria: Invitae Variant Classification Sherloc (09022015). Collection method: clinical testing. Allele origin: germline.
Comment: In summary, the available evidence is currently insufficient to determine the role of this variant in disease. Therefore, it has been classified as a Variant of Uncertain Significance. Algorithms developed to predict the effect of missense changes on protein structure and function output the following: SIFT: "Tolerated"; PolyPhen-2: "Benign"; Align-GVGD: "Class C0". The leucine amino acid residue is found in multiple mammalian species, which suggests that this missense change does not adversely affect protein function. This variant has not been reported in the literature in individuals affected with IGSF10-related conditions. This variant is present in population databases (rs781278592, gnomAD 0.02%). This sequence change replaces serine, which is neutral and polar, with leucine, which is neutral and non-polar, at codon 1179 of the IGSF10 protein (p.Ser1179Leu).